The following is an entry in ClinVar:

NM_000051.4(ATM):c.480_484del (p.Gln161fs)

Gene: ATM (ATM serine/threonine kinase; plus strand). Cytogenetic location: 11q22.3.
Variant type: Deletion.
Coding change: c.480_484del on transcript NM_000051.4 (MANE Select); coding-DNA positions 480 to 484, 5 bases deleted (TCAGC; older notation c.480_484delTCAGC).
Protein change: p.Gln161fs; shifts the reading frame from glutamine 161.
Molecular consequence: frameshift variant.
Genome position (GRCh38, 1-based): chr11:108,235,818-108,235,822, TCAGC deleted; deleting any 5 consecutive bases within chr11:108,235,817-108,235,822 gives the same sequence; the c. name uses the placement nearest the transcript's 3' end. VCF-style (leftmost placement, unchanged base first): chr11-108235816-TCTCAG-T. GRCh37 (hg19) VCF-style: chr11-108106543-TCTCAG-T.
Other names: NM_000051.4:c.480_484del; c.480_484del, p.Gln161fs (NM_001351834.2); short protein forms Q161fs.
Identifiers: ClinVar variation 3028906 (VCV003028906.2), dbSNP rs2497022061, ClinGen allele CA2695202143.

ClinVar aggregate classification (germline): Pathogenic (3 of 4 stars; one submission).

Conditions:
ATM-related cancer predisposition. Also called: ATM-related cancer susceptibility. Identifiers: MedGen CN377759, MONDO:0700270.

Submission:

ClinGen Hereditary Breast, Ovarian and Pancreatic Cancer Variant Curation Expert Panel, ClinGen
Classification: Pathogenic for ATM-related cancer predisposition. Last evaluated: 2024-02-26. Review status: reviewed by expert panel. Criteria: ClinGen HBOP ACMG Specifications ATM V1.2.0. Collection method: curation. Allele origin: germline. Inheritance: Autosomal dominant inheritance.
Comment: The c.480_484del p.Gln161Thrfs*22 variant in ATM is a frameshift variant in a biologically-relevant-exon predicted to cause a premature stop codon leading to nonsense mediated decay in a gene in which loss-of-function is an established disease mechanism. This alteration results in a termination codon upstream of the most C-terminus pathogenic alteration (ATM p.Arg3047*), as classified by the HBOP VCEP, and is expected to be more deleterious. This variant is absent from gnomAD v2.1.1. This variant has been detected in at least one individual with Ataxia-Telangiectasia (PMID: 10234507, 26896183). In summary, this variant meets criteria to be classified as pathogenic for autosomal dominant hereditary breast cancer and autosomal recessive Ataxia-Telangiectasia based on the ACMG/AMP criteria applied, as specified by the HBOP VCEP. (PVS1, PM2_Supporting, PM3_supporting, PM5_supporting)